The following is an entry in ClinVar:

NM_012464.5(TLL1):c.3015T>A (p.Tyr1005Ter)

Gene: TLL1 (tolloid like 1; plus strand). Cytogenetic location: 4q32.3.
Variant type: single nucleotide variant.
Coding change: c.3015T>A on transcript NM_012464.5 (MANE Select); coding-DNA position 3015, T replaced by A.
Protein change: p.Tyr1005Ter; replaces tyrosine 1005 with a stop codon.
Molecular consequence: nonsense.
Genome position (GRCh38, 1-based): chr4:166,100,849, T>A. VCF-style: chr4-166100849-T-A. GRCh37 (hg19) VCF-style: chr4-167022001-T-A.
Other names: short protein forms Y1005*.
Identifiers: ClinVar variation 1806100 (VCV001806100.1), dbSNP rs374474520, ClinGen allele CA358683948.
Genomic context (GRCh38, chr4:166,100,849, plus strand): 5'-CCACACTGATGACACAATCAACAAGAAGGGATTTCATATAAGATACAAAAGCATAAGATA[T>A]CCAGATACCACACATACCAAAAAATAACACCAAAACCTCTGTCAGAACACAAAGGAATGT-3'

ClinVar aggregate classification (germline): Uncertain significance (1 of 4 stars; one submission).

Conditions:
Atrial septal defect 6 (ASD6). Identifiers: Orphanet 1478, MedGen C2751315, MONDO:0013123, OMIM 613087.

Submission:

Victorian Clinical Genetics Services, Murdoch Childrens Research Institute
Classification: Uncertain significance for Atrial septal defect 6. Last evaluated: 2020-10-19. Review status: criteria provided, single submitter. Criteria: ACMG Guidelines, 2015. Collection method: clinical testing. Allele origin: germline. Inheritance: Autosomal dominant inheritance. Affected: yes.
Comment: Based on the classification scheme VCGS_Germline_v1.3.3, this variant is classified as 3B-VUS. Following criteria are met: 0105 - The mechanism of disease for this gene is not clearly established. (I) 0107 - This gene is associated with autosomal dominant disease. (I) 0205 - Variant is predicted to result in a truncated protein (premature termination codon is NOT located at least 54 nucleotides upstream of the final exon-exon junction) with less than 1/3 of the protein sequence affected. (SP) 0219 - This variant is non-coding in an alternative transcript. However, this variant is protein coding in the longest isoform (NCBI, UCSC). (I) 0251 - This variant is heterozygous. (I) 0301 - Variant is absent from gnomAD (both v2 and v3). (SP) 0604 - Variant is not located in an established domain, motif, hotspot or informative constraint region. (I) 0705 - No comparable truncating variants have previous evidence for pathogenicity. (I) 0807 - This variant has no previous evidence of pathogenicity. (I) 0905 - No published segregation evidence has been identified for this variant. (I) 1007 - No published functional evidence has been identified for this variant. (I) Legend: (SP) - Supporting pathogenic, (I) - Information, (SB) - Supporting benign